The following is an entry in ClinVar:

ClinVar aggregate classification (germline): Pathogenic (1 of 4 stars; one submission).

Conditions:
Epilepsy, childhood absence, susceptibility to, 1. Also called: Epilepsy, childhood absence 1. Identifiers: Orphanet 64280, MedGen C1838604, MONDO:0020759, OMIM 600131.
Epilepsy, childhood absence, susceptibility to, 5. Identifiers: Orphanet 64280, MedGen C2677087, MONDO:0012843, OMIM 612269.

Submission:

Labcorp Genetics (formerly Invitae), Labcorp
Classification: Pathogenic for Epilepsy, childhood absence, susceptibility to, 5; Epilepsy, childhood absence, susceptibility to, 1. Last evaluated: 2025-04-26. Review status: criteria provided, single submitter. Criteria: Invitae Variant Classification Sherloc (09022015). Collection method: clinical testing. Allele origin: germline.
Comment: This sequence change creates a premature translational stop signal (p.Tyr151Trpfs*29) in the GABRB3 gene. It is expected to result in an absent or disrupted protein product. Loss-of-function variants in GABRB3 are known to be pathogenic (PMID: 26950270, 28053010). This variant is not present in population databases (gnomAD no frequency). This variant has not been reported in the literature in individuals affected with GABRB3-related conditions. For these reasons, this variant has been classified as Pathogenic.

Literature cited by the submitters: PubMed 26950270; PubMed 28053010.

NM_000814.6(GABRB3):c.450_451del (p.Tyr151fs)

Gene: GABRB3 (gamma-aminobutyric acid type A receptor subunit beta3; minus strand). Cytogenetic location: 15q12.
Variant type: Deletion.
Coding change: c.450_451del on transcript NM_000814.6 (MANE Select); coding-DNA positions 450 to 451, 2 bases deleted (GT; older notation c.450_451delGT).
Protein change: p.Tyr151fs; shifts the reading frame from tyrosine 151.
Molecular consequence: frameshift variant. On other transcripts: non-coding transcript variant (1).
Genome position (GRCh38, 1-based): chr15:26,621,324-26,621,325, AC deleted on the plus strand (GT on the coding strand, the reverse complement: GABRB3 is on the minus strand); deleting any 2 consecutive bases within chr15:26,621,324-26,621,326 gives the same sequence; the c. name uses the placement nearest the transcript's 3' end. VCF-style (leftmost placement, unchanged base first): chr15-26621323-TAC-T. GRCh37 (hg19) VCF-style: chr15-26866470-TAC-T.
Other names: c.195_196del, p.Tyr66fs (NM_001191320.2, NM_001278631.2); c.237_238del, p.Tyr80fs (NM_001191321.3); c.450_451del, p.Tyr151fs (NM_021912.5); short protein forms Y66fs, Y151fs, Y80fs.
Identifiers: ClinVar variation 4784728 (VCV004784728.1).